The following is an entry in ClinVar:

NM_000157.4(GBA1):c.1232T>C (p.Leu411Pro)

Genes: GBA1 (glucosylceramidase beta 1; minus strand), LOC106627981 (GBA recombination region; plus strand). Cytogenetic location: 1q22.
Variant type: single nucleotide variant.
Coding change: c.1232T>C on transcript NM_000157.4 (MANE Select); coding-DNA position 1232, T replaced by C.
Protein change: p.Leu411Pro; replaces leucine 411 with proline.
Molecular consequence: missense variant.
Genome position (GRCh38, 1-based): chr1:155,235,837, A>G on the plus strand (T>C on the coding strand, the complement: GBA1 is on the minus strand). VCF-style: chr1-155235837-A-G. GRCh37 (hg19) VCF-style: chr1-155205628-A-G.
Other names: c.1232T>C, p.Leu411Pro (NM_001005741.3, NM_001005742.3); c.971T>C, p.Leu324Pro (NM_001171811.2); c.1085T>C, p.Leu362Pro (NM_001171812.2); short protein forms L324P, L362P, L411P.
Identifiers: ClinVar variation 4817702 (VCV004817702.1).

ClinVar aggregate classification (germline): Likely pathogenic (1 of 4 stars; one submission).

Conditions:
Gaucher disease. Also called: Acute cerebral Gaucher disease; Cerebroside lipidosis syndrome; Gaucher splenomegaly; Sphingolipidosis 1; Glucocerebrosidosis; Glucosylceramidase deficiency. Identifiers: Orphanet 355, MedGen C0017205, MONDO:0018150.

Submission:

Natera, Inc.
Classification: Likely pathogenic for Gaucher disease. Last evaluated: 2025-10-16. Review status: criteria provided, single submitter. Criteria: Natera Variant Classification Schema (03/2026). Collection method: clinical testing. Allele origin: germline.
Comment: The c.1232T>C variant in GBA1 is a missense variant predicted to cause substitution of leucine to proline at amino acid 411. This variant is rare in the general population with a frequency below the threshold expected for the associated phenotype(s). This variant has been observed in one or more individuals affected with the associated recessive disease, as either homozygous or compound heterozygous with a second variant (PMID: 34820281). This variant has been identified in one or more affected individuals with a phenotype highly consistent with the associated gene (PMID:34820281). Computational prediction algorithms indicate this variant is likely to affect gene or protein function. Given the available evidence, this variant is classified as Likely Pathogenic.

Literature cited by the submitters: PubMed 34820281.